The following is an entry in ClinVar:

ClinVar aggregate classification (germline): Pathogenic (1 of 4 stars; one submission).

Conditions:
Neurofibromatosis, type 1 (NF1). Also called: VON RECKLINGHAUSEN DISEASE; Peripheral type neurofibromatosis; Neurofibromatosis, type I; NEUROFIBROMATOSIS, TYPE I, SOMATIC. Identifiers: Orphanet 636, MedGen C0027831, MONDO:0018975, OMIM 162200. Disease mechanism: loss of function.

Submission:

Labcorp Genetics (formerly Invitae), Labcorp
Classification: Pathogenic for Neurofibromatosis, type 1. Last evaluated: 2020-11-10. Review status: criteria provided, single submitter. Criteria: Invitae Variant Classification Sherloc (09022015). Collection method: clinical testing. Allele origin: germline.
Comment: For these reasons, this variant has been classified as Pathogenic. This variant has not been reported in the literature in individuals with NF1-related conditions. This variant is not present in population databases (ExAC no frequency). This sequence change creates a premature translational stop signal (p.Glu2337Tyrfs*37) in the NF1 gene. It is expected to result in an absent or disrupted protein product. Loss-of-function variants in NF1 are known to be pathogenic (PMID: 10712197, 23913538).

Literature cited by the submitters: PubMed 10712197; PubMed 23913538.

NM_001042492.3(NF1):c.7072_7075del (p.Glu2358fs)

Gene: NF1 (neurofibromin 1; plus strand). Cytogenetic location: 17q11.2.
Variant type: Deletion.
Coding change: c.7072_7075del on transcript NM_001042492.3 (MANE Select); coding-DNA positions 7072 to 7075, 4 bases deleted (GAAG; older notation c.7072_7075delGAAG).
Protein change: p.Glu2358fs; shifts the reading frame from glutamic acid 2358.
Molecular consequence: frameshift variant.
Genome position (GRCh38, 1-based): chr17:31,343,018-31,343,021, GAAG deleted; deleting any 4 consecutive bases within chr17:31,343,016-31,343,021 gives the same sequence; the c. name uses the placement nearest the transcript's 3' end. VCF-style (leftmost placement, unchanged base first): chr17-31343015-GAGGA-G. GRCh37 (hg19) VCF-style: chr17-29670033-GAGGA-G.
Other names: c.7009_7012delGAAG, p.Glu2337Tyrfs (NM_000267.4); short protein forms E2358fs, E2337fs.
Identifiers: ClinVar variation 1380850 (VCV001380850.6), dbSNP rs2151564961, ClinGen allele CA2573153901.